The following is an entry in ClinVar:

ClinVar aggregate classification (germline): Uncertain significance. Review status: criteria provided, multiple submitters, no conflicts (2 of 4 stars). 2 submissions from 2 submitters: Uncertain significance (2). Last evaluated 2024-08-05.

Conditions:
Severe X-linked myotubular myopathy (CNMX). Also called: MYOTUBULAR MYOPATHY 1; Myotubular myopathy, X-linked; X-linked centronuclear myopathy. Identifiers: Orphanet 596, MedGen C0410203, MONDO:0010683, OMIM 310400.

Submissions (2):

GeneDx
Classification: Uncertain significance. Last evaluated: 2024-08-05. Review status: criteria provided, single submitter. Criteria: GeneDx Variant Classification Process June 2021. Collection method: clinical testing. Allele origin: germline. Affected: yes.
Comment: Not observed at significant frequency in large population cohorts (gnomAD); In silico analysis supports that this missense variant has a deleterious effect on protein structure/function; Has not been previously published as pathogenic or benign to our knowledge

Labcorp Genetics (formerly Invitae), Labcorp
Classification: Uncertain significance for Severe X-linked myotubular myopathy. Last evaluated: 2024-07-13. Review status: criteria provided, single submitter. Criteria: Invitae Variant Classification Sherloc (09022015). Collection method: clinical testing. Allele origin: germline.
Comment: This sequence change replaces glutamic acid, which is acidic and polar, with glutamine, which is neutral and polar, at codon 157 of the MTM1 protein (p.Glu157Gln). This variant is not present in population databases (gnomAD no frequency). This variant has not been reported in the literature in individuals affected with MTM1-related conditions. Advanced modeling of protein sequence and biophysical properties (such as structural, functional, and spatial information, amino acid conservation, physicochemical variation, residue mobility, and thermodynamic stability) has been performed at Invitae for this missense variant, however the output from this modeling did not meet the statistical confidence thresholds required to predict the impact of this variant on MTM1 protein function. In summary, the available evidence is currently insufficient to determine the role of this variant in disease. Therefore, it has been classified as a Variant of Uncertain Significance.

NM_000252.3(MTM1):c.469G>C (p.Glu157Gln)

Gene: MTM1 (myotubularin 1; plus strand). Cytogenetic location: Xq28.
Variant type: single nucleotide variant.
Coding change: c.469G>C on transcript NM_000252.3 (MANE Select); coding-DNA position 469, G replaced by C.
Protein change: p.Glu157Gln; replaces glutamic acid 157 with glutamine.
Molecular consequence: missense variant.
Genome position (GRCh38, 1-based): chrX:150,638,967, G>C. VCF-style: chrX-150638967-G-C. GRCh37 (hg19) VCF-style: chrX-149807440-G-C.
Other names: c.469G>C, p.Glu157Gln (NM_001376906.1, NM_001376908.1); c.358G>C, p.Glu120Gln (NM_001376907.1); short protein forms E120Q, E157Q.
Identifiers: ClinVar variation 3603071 (VCV003603071.3).